The following is an entry in ClinVar:

NM_000179.3(MSH6):c.647C>T (p.Thr216Ile)

Gene: MSH6 (mutS homolog 6; plus strand). Cytogenetic location: 2p16.3.
Variant type: single nucleotide variant.
Coding change: c.647C>T on transcript NM_000179.3 (MANE Select); coding-DNA position 647, C replaced by T.
Protein change: p.Thr216Ile; replaces threonine 216 with isoleucine.
Molecular consequence: missense variant. On other transcripts: 5 prime UTR variant (2).
Genome position (GRCh38, 1-based): chr2:47,798,630, C>T. VCF-style: chr2-47798630-C-T. GRCh37 (hg19) VCF-style: chr2-48025769-C-T.
Other names: c.257C>T, p.Thr86Ile (NM_001281492.2); c.-260C>T (NM_001281493.2, NM_001281494.2); short protein forms T216I, T86I.
Identifiers: ClinVar variation 220192 (VCV000220192.23), dbSNP rs765195534, ClinGen allele CA073299.

ClinVar aggregate classification (germline): Conflicting classifications of pathogenicity. Review status: criteria provided, conflicting classifications (1 of 4 stars). 7 submissions from 7 submitters: Uncertain significance (6); Likely benign (1). Last evaluated 2026-01-18.

Conditions:
Hereditary nonpolyposis colorectal neoplasms. Identifiers: MedGen C0009405, MeSH D003123.
Hereditary cancer-predisposing syndrome. Also called: Hereditary neoplastic syndrome; Tumor predisposition; Hereditary Cancer Syndrome; Neoplastic Syndromes, Hereditary. Identifiers: Orphanet 140162, MedGen C0027672, MeSH D009386, MONDO:0015356.
Lynch syndrome. Identifiers: Orphanet 144, MedGen C4552100, MONDO:0005835. Disease mechanism: loss of function.
Lynch syndrome 5 (LYNCH5). Also called: Colorectal cancer, hereditary nonpolyposis, type 5; Hereditary non-polyposis colorectal cancer, type 5. Identifiers: Orphanet 144, MedGen C1833477, MONDO:0013710, OMIM 614350. Disease mechanism: loss of function.

Allele frequency attached by ClinVar (database versions not stated): ExAC 0.00001; gnomAD exomes 0.00001 and 0.00003.
gnomAD v4.1: 36 of 1,611,218 alleles (0.0022%); highest among the groups gnomAD compares: Non-Finnish European, 0.0031%; no homozygotes.

Submissions (7):

Labcorp Genetics (formerly Invitae), Labcorp
Classification: Likely benign for Hereditary nonpolyposis colorectal neoplasms. Last evaluated: 2026-01-18. Review status: criteria provided, single submitter. Criteria: Invitae Variant Classification Sherloc (09022015). Collection method: clinical testing. Allele origin: germline.

Color Diagnostics, LLC DBA Color Health
Classification: Uncertain significance for Hereditary cancer-predisposing syndrome. Last evaluated: 2025-09-12. Review status: criteria provided, single submitter. Criteria: ACMG Guidelines, 2015. Collection method: clinical testing. Allele origin: germline.
Comment: This missense variant replaces threonine with isoleucine at codon 216 of the MSH6 protein. Computational prediction suggests that this variant may not impact protein structure and function. To our knowledge, functional studies have not been reported for this variant. This variant has not been reported in individuals affected with MSH6-related disorders in the literature. This variant has been identified in 2/247374 chromosomes in the general population by the Genome Aggregation Database (gnomAD). The available evidence is insufficient to determine the role of this variant in disease conclusively. Therefore, this variant is classified as a Variant of Uncertain Significance.

Molecular Pathology, Peter Maccallum Cancer Centre
Classification: Uncertain significance for Lynch syndrome 5. Last evaluated: 2024-10-30. Review status: criteria provided, single submitter. Criteria: ACMG Guidelines, 2015. Collection method: clinical testing. Allele origin: germline. Inheritance: Autosomal dominant inheritance.

Ambry Genetics
Classification: Uncertain significance for Hereditary cancer-predisposing syndrome. Last evaluated: 2024-06-07. Review status: criteria provided, single submitter. Criteria: Ambry Variant Classification Scheme 2023. Collection method: clinical testing. Allele origin: germline.
Comment: The p.T216I variant (also known as c.647C>T), located in coding exon 4 of the MSH6 gene, results from a C to T substitution at nucleotide position 647. The threonine at codon 216 is replaced by isoleucine, an amino acid with similar properties. This amino acid position is poorly conserved in available vertebrate species. In addition, this alteration is predicted to be tolerated by in silico analysis. Since supporting evidence is limited at this time, the clinical significance of this alteration remains unclear.

All of Us Research Program, National Institutes of Health
Classification: Uncertain significance for Lynch syndrome. Last evaluated: 2023-10-30. Review status: criteria provided, single submitter. Criteria: ACMG Guidelines, 2015. Collection method: clinical testing. Allele origin: germline. Inheritance: Autosomal dominant inheritance. Observed: 1 variant allele, 1 heterozygote.
Comment: This missense variant replaces threonine with isoleucine at codon 216 of the MSH6 protein. Computational prediction suggests that this variant may not impact protein structure and function (internally defined REVEL score threshold <= 0.5, PMID: 27666373). To our knowledge, functional studies have not been reported for this variant. This variant has not been reported in individuals affected with hereditary cancer in the literature. This variant has been identified in 2/247374 chromosomes in the general population by the Genome Aggregation Database (gnomAD). The available evidence is insufficient to determine the role of this variant in disease conclusively. Therefore, this variant is classified as a Variant of Uncertain Significance.

This study involves interpretation of variants in research participants for the purpose of population health screening. Participant phenotype was not available at the time of variant classification. Additional details can be found in publication PMID: 35346344, PMCID: PMC8962531

Quest Diagnostics Nichols Institute San Juan Capistrano
Classification: Uncertain significance. Last evaluated: 2020-11-11. Review status: criteria provided, single submitter. Criteria: Quest Diagnostics criteria. Collection method: clinical testing. Allele origin: unknown.

Women's Health and Genetics/Laboratory Corporation of America, LabCorp
Classification: Uncertain significance. Last evaluated: 2017-06-16. Review status: criteria provided, single submitter. Criteria: LabCorp Variant Classification Summary - May 2015. Collection method: clinical testing. Allele origin: germline.
Comment: Variant summary: The MSH6 c.647C>T (p.Thr216Ile) variant involves the alteration of a non-conserved nucleotide. 3/4 in silico tools predict a benign outcome for this variant. This variant was found in 1/119058 control chromosomes at a frequency of 0.0000084, which does not exceed the estimated maximal expected allele frequency of a pathogenic MSH6 variant (0.0001421). In addition, multiple clinical diagnostic laboratories/reputable databases classified this variant as uncertain significance. The variant of interest has not, to our knowledge, been reported in affected individuals via publications nor evaluated for functional impact by in vivo/vitro studies. Because of the absence of clinical information and the lack of functional studies, the variant is classified as a variant of uncertain significance (VUS) until additional information becomes available.